The following is an entry in ClinVar:

NM_017952.6(PTCD3):c.1166C>G (p.Ser389Ter)

Gene: PTCD3 (pentatricopeptide repeat domain 3; plus strand). Cytogenetic location: 2p11.2.
Variant type: single nucleotide variant.
Coding change: c.1166C>G on transcript NM_017952.6 (MANE Select); coding-DNA position 1166, C replaced by G.
Protein change: p.Ser389Ter; replaces serine 389 with a stop codon.
Molecular consequence: nonsense.
Genome position (GRCh38, 1-based): chr2:86,130,666, C>G. VCF-style: chr2-86130666-C-G. GRCh37 (hg19) VCF-style: chr2-86357789-C-G.
Other names: short protein forms S389*.
Identifiers: ClinVar variation 3348111 (VCV003348111.1).
Genomic context (GRCh38, chr2:86,130,666, plus strand): 5'-TAAAGGAAGTGGATTAAACACATTTGCTTTCTTGTTCTGCAGGAGACCCTTTAAAGAGAT[C>G]ATCCTTCATCATTTATGATATAATGAATGAATTAATGGGAAAGAGATTTTCTCCAAAGGA-3'

ClinVar aggregate classification (germline): Likely pathogenic (0 of 4 stars; one submission).

Conditions:
PTCD3-related disorder. Also called: PTCD3-related condition.

gnomAD v4.1: 5 of 1,612,738 alleles (0.00031%); highest among the groups gnomAD compares: African/African-American, 0.0053%; no homozygotes.

Submission:

PreventionGenetics, part of Exact Sciences
Classification: Likely pathogenic for PTCD3-related condition. Last evaluated: 2024-04-01. Review status: no assertion criteria provided. Collection method: clinical testing. Allele origin: germline.
Comment: The PTCD3 c.1166C>G variant is predicted to result in premature protein termination (p.Ser389*). To our knowledge, this variant has not been reported in the literature. This variant is reported in 0.011% of alleles in individuals of African descent in gnomAD. Nonsense variants in PTCD3 are expected to be pathogenic. This variant is interpreted as likely pathogenic.